The following is an entry in ClinVar:

NM_015272.5(RPGRIP1L):c.550_551insGCCGGGCGCGGTGGCTCACGCCTGTAATCCCAGCACTTTGGGAGGCCGAGGCGGGTGGATCATGAGGTCAGGAGATCGAGACCATCCTGGCTAACAAGGNNNNNNNNNNAAAAAAAAAAAAAAAAAAAATTCCAAGATGCAG (p.Asp184delinsGlyArgAlaArgTrpLeuThrProValIleProAlaLeuTrpGluAlaGluAlaGlyGlySerTer)

Gene: RPGRIP1L (RPGRIP1 like; minus strand). Cytogenetic location: 16q12.2.
Variant type: Insertion.
Coding change: c.550_551insGCCGGGCGCGGTGGCTCACGCCTGTAATCCCAGCACTTTGGGAGGCCGAGGCGGGTGGATCATGAGGTCAGGAGATCGAGACCATCCTGGCTAACAAGGNNNNNNNNNNAAAAAAAAAAAAAAAAAAAATTCCAAGATGCAG on transcript NM_015272.5 (MANE Select); coding-DNA positions 550 to 551, GCCGGGCGCGGTGGCTCACGCCTGTAATCCCAGCACTTTGGGAGGCCGAGGCGGGTGGATCATGAGGTCAGGAGATCGAGACCATCCTGGCTAACAAGGNNNNNNNNNNAAAAAAAAAAAAAAAAAAAATTCCAAGATGCAG inserted.
Protein change: p.Asp184delinsGlyArgAlaArgTrpLeuThrProValIleProAlaLeuTrpGluAlaGluAlaGlyGlySerTer.
Molecular consequence: nonsense.
Genome position: GRCh38: chr16:53,687,961-53,687,962. GRCh37 (hg19): chr16:53,721,873-53,721,874.
Other names: c.550_551insGCCGGGCGCGGTGGCTCACGCCTGTAATCCCAGCACTTTGGGAGGCCGAGGCGGGTGGATCATGAGGTCAGGAGATCGAGACCATCCTGGCTAACAAGGNNNNNNNNNNAAAAAAAAAAAAAAAAAAAATTCCAAGATGCAG, p.Asp184delinsGlyArgAlaArgTrpLeuThrProValIleProAlaLeuTrpGluAlaGluAlaGlyGlySerTer (NM_001127897.4, NM_001308334.3, NM_001330538.2).
Identifiers: ClinVar variation 1404645 (VCV001404645.6), dbSNP rs2151325681.

ClinVar aggregate classification (germline): Pathogenic (1 of 4 stars; one submission).

Conditions:
Joubert syndrome. Also called: CEREBELLOPARENCHYMAL DISORDER IV; JOUBERT-BOLTSHAUSER SYNDROME; Familial aplasia of the vermis. Identifiers: Orphanet 475, MedGen C5979921, MONDO:0018772.
Meckel-Gruber syndrome. Also called: DYSENCEPHALIA SPLANCHNOCYSTICA; GRUBER SYNDROME; Dysencephalia splachnocystica. Identifiers: Orphanet 564, MedGen C0265215, MONDO:0018921.

Submission:

Labcorp Genetics (formerly Invitae), Labcorp
Classification: Pathogenic for Joubert syndrome; Meckel-Gruber syndrome. Last evaluated: 2021-07-17. Review status: criteria provided, single submitter. Criteria: Invitae Variant Classification Sherloc (09022015). Collection method: clinical testing. Allele origin: germline.
Comment: This variant is not present in population databases (ExAC no frequency). For these reasons, this variant has been classified as Pathogenic. Retrotransposon insertions including LINE1 (L1), Alu, and SVA (SINE-VNTR-Alu) have been reported to be disease-causing through disruption of either a coding region or splice site (PMID: 19763152, 20307669, 22406018) and loss-of-function variants in RPGRIP1L are known to be pathogenic (PMID: 17558409). Algorithms developed to predict the effect of sequence changes on RNA splicing suggest that this variant may create or strengthen a splice site. This variant has not been reported in the literature in individuals affected with RPGRIP1L-related conditions. This sequence change inserts a large fragment of DNA, likely a transposable element, in exon 5 of the RPGRIP1L gene (c.550_551ins?), causing a frameshift at codon 184 (p.Asp184fs). The exact size and sequence of the insertion cannot be determined by the current assay. However, the insertion is expected to result in an absent or disrupted protein product.

Literature cited by the submitters: PubMed 19763152; PubMed 20307669; PubMed 22406018; PubMed 17558409.